The following is an entry in ClinVar:

ClinVar aggregate classification (germline): Pathogenic (1 of 4 stars; one submission).

Conditions:
Peutz-Jeghers syndrome (PJS). Also called: Peutz-Jeghers polyposis; Periorificial lentiginosis syndrome; POLYPOSIS, HAMARTOMATOUS INTESTINAL; POLYPS-AND-SPOTS SYNDROME. Identifiers: Orphanet 2869, MedGen C0031269, MeSH D010580, MONDO:0008280, OMIM 175200.

Submission:

Diagnostics Services (NGS), CSIR - Centre For Cellular And Molecular Biology
Classification: Pathogenic for Peutz-Jeghers syndrome. Last evaluated: 2023-02-24. Review status: criteria provided, single submitter. Criteria: ACMG Guidelines, 2015. Collection method: clinical testing. Allele origin: unknown. Affected: yes. Observed: 1 variant allele, 1 heterozygote.
Comment: The c.332del variant is not present in publicly available population databases like 1000 Genomes, ExAC, EVS, Indian Exome Database or our in-house exome database. The variant has neither been published in literature nor reported to clinical databases like in ClinVar, Human Gene Mutation Database (HGMD) or OMIM, in any affected individuals. In silico pathogenicity prediction programs like MutationTaster2, CADD, Varsome, Franklin etc predicted this variant to be likely deleterious. This variant causes frameshift at the 111th amino acid position of the wild-type transcript which creates a premature translational stop signal in the altered transcript that may either result in translation of a truncated protein or cause nonsense-mediated decay of the mRNA.

NM_000455.5(STK11):c.332del (p.Ile111fs)

Gene: STK11 (serine/threonine kinase 11; plus strand). Cytogenetic location: 19p13.3.
Variant type: Deletion.
Coding change: c.332del on transcript NM_000455.5 (MANE Select); coding-DNA position 332, one base deleted (T; older notation c.332delT).
Protein change: p.Ile111fs; shifts the reading frame from isoleucine 111.
Molecular consequence: frameshift variant.
Genome position (GRCh38, 1-based): chr19:1,218,458, T deleted. VCF-style (leftmost placement, unchanged base first): chr19-1218457-AT-A. GRCh37 (hg19) VCF-style: chr19-1218456-AT-A.
Other names: c.332delT, p.Ile111Thrfs (NM_001407255.1); short protein forms I111fs.
Identifiers: ClinVar variation 2430376 (VCV002430376.3), dbSNP rs2512938339, ClinGen allele CA2580096026.
Genomic context (GRCh38, chr19:1,218,457, plus strand): 5'-CCCTGTCCTCTCTGTCCCAGGGAAATTCAACTACTGAGGAGGTTACGGCACAAAAATGTC[AT>A]CCAGCTGGTGGATGTGTTATACAACGAAGAGAAGCAGAAAATATATCCTTTCCGGTGTTG-3'